The following is an entry in ClinVar:

ClinVar aggregate classification (germline): Likely pathogenic (1 of 4 stars; one submission).

Conditions:
BICRA-related Coffin-Siris syndrome.

Submission:

Rady Children's Institute for Genomic Medicine, Rady Children's Hospital San Diego
Classification: Likely pathogenic for BICRA-related Coffin-Siris syndrome. Last evaluated: 2025-06-18. Review status: criteria provided, single submitter. Criteria: ACMG Guidelines, 2015. Collection method: clinical testing. Allele origin: germline. Affected: yes.
Comment: This frameshifting variant in exon 6 of 15 is predicted to result in loss of normal protein function through either protein truncation or nonsense-mediated mRNA decay. Loss-of-function variation in BICRA is an established mechanism of disease in BICRA-related Coffin-Siris syndrome (PMID: 33232675). This variant has not been previously reported or functionally characterized in the literature to our knowledge. The c.1666del (p.Gln556ArgfsTer168) variant is present in the latest version of the gnomAD population database at an allele frequency of 0.00006% (1/1596720) and thus is presumed to be rare. Based on the available evidence, c.1666del (p.Gln556ArgfsTer168) is classified as Likely Pathogenic.

Literature cited by the submitters: PubMed 33232675.

NM_001394372.1(BICRA):c.1666del (p.Gln556fs)

Gene: BICRA (BRD4 interacting chromatin remodeling complex associated protein; plus strand). Cytogenetic location: 19q13.33.
Variant type: Deletion.
Coding change: c.1666del on transcript NM_001394372.1 (MANE Select); coding-DNA position 1666, one base deleted (C; older notation c.1666delC).
Protein change: p.Gln556fs; shifts the reading frame from glutamine 556.
Molecular consequence: frameshift variant.
Genome position (GRCh38, 1-based): chr19:47,680,836, C deleted; the last of 2 consecutive C bases (chr19:47,680,835-47,680,836); deleting either gives the same sequence. VCF-style (leftmost placement, unchanged base first): chr19-47680834-TC-T. GRCh37 (hg19) VCF-style: chr19-48184091-TC-T.
Other names: c.1666del, p.Gln556fs (NM_015711.3); short protein forms Q556fs.
Identifiers: ClinVar variation 4814215 (VCV004814215.1).
Genomic context (GRCh38, chr19:47,680,834, plus strand): 5'-GGGCCCACAGCGCGCACATCCTCTCCGCCGCTCCCATCCAGGTGGGCCAGCCTGCGCTCT[TC>T]CAGATGCCCGTGTCGCTGGCGGCGGGCAGCCTGCCCACGCAGAGCCAGCCAGCGCCCGCC-3'